The following is an entry in ClinVar:

ClinVar aggregate classification (germline): Conflicting classifications of pathogenicity. Review status: criteria provided, conflicting classifications (1 of 4 stars). 2 submissions from 2 submitters: Likely pathogenic (1); Uncertain significance (1). Last evaluated 2023-08-01.

Conditions:
Leukoencephalopathy, progressive, infantile-onset, with or without deafness. Identifiers: MedGen C5542996, MONDO:0030893, OMIM 619147.

Allele frequency attached by ClinVar (database versions not stated): TOPMed below 0.00001; gnomAD 0.00001.
gnomAD v4.1: 1 of 1,614,084 alleles (0.000062%); highest among the groups gnomAD compares: African/African-American, 0.0013%; no homozygotes.

Submissions (2):

Medical Genetics, Spectrum Health
Classification: Likely pathogenic for Leukoencephalopathy, progressive, infantile-onset, with or without deafness. Last evaluated: 2023-08-01. Review status: criteria provided, single submitter. Criteria: ACMG Guidelines, 2015. Collection method: clinical testing. Allele origin: germline. Affected: yes.
Comment: Criteria applied: PP1, PM2, PP3, PP4.

GeneDx
Classification: Uncertain significance. Last evaluated: 2023-05-09. Review status: criteria provided, single submitter. Criteria: GeneDx Variant Classification Process June 2021. Collection method: clinical testing. Allele origin: germline. Affected: yes.
Comment: Not observed at significant frequency in large population cohorts (gnomAD); In silico analysis supports that this missense variant has a deleterious effect on protein structure/function; Has not been previously published as pathogenic or benign to our knowledge

NM_005548.3(KARS1):c.1601G>A (p.Cys534Tyr)

Gene: KARS1 (lysyl-tRNA synthetase 1; minus strand). Cytogenetic location: 16q23.1.
Variant type: single nucleotide variant.
Coding change: c.1601G>A on transcript NM_005548.3 (MANE Select); coding-DNA position 1601, G replaced by A.
Protein change: p.Cys534Tyr; replaces cysteine 534 with tyrosine.
Molecular consequence: missense variant.
Genome position (GRCh38, 1-based): chr16:75,628,663, C>T on the plus strand (G>A on the coding strand, the complement: KARS1 is on the minus strand). VCF-style: chr16-75628663-C-T. GRCh37 (hg19) VCF-style: chr16-75662561-C-T.
Other names: c.1685G>A, p.Cys562Tyr (NM_001130089.2); c.1133G>A, p.Cys378Tyr (NM_001378148.1); short protein forms C378Y, C534Y, C562Y.
Identifiers: ClinVar variation 2576964 (VCV002576964.3), dbSNP rs1156833108, ClinGen allele CA396809747.